The following is an entry in ClinVar:

NM_000135.4(FANCA):c.1154A>G (p.His385Arg)

Gene: FANCA (FA complementation group A; minus strand). Cytogenetic location: 16q24.3.
Variant type: single nucleotide variant.
Coding change: c.1154A>G on transcript NM_000135.4 (MANE Select); coding-DNA position 1154, A replaced by G.
Protein change: p.His385Arg; replaces histidine 385 with arginine.
Molecular consequence: missense variant.
Genome position (GRCh38, 1-based): chr16:89,791,998, T>C on the plus strand (A>G on the coding strand, the complement: FANCA is on the minus strand). VCF-style: chr16-89791998-T-C. GRCh37 (hg19) VCF-style: chr16-89858406-T-C.
Other names: c.1154A>G, p.His385Arg (NM_001286167.3); short protein forms H385R.
Identifiers: ClinVar variation 2120591 (VCV002120591.2), dbSNP rs143262599, ClinGen allele CA8252490.

ClinVar aggregate classification (germline): Uncertain significance. Review status: criteria provided, multiple submitters, no conflicts (2 of 4 stars). 2 submissions from 2 submitters: Uncertain significance (2). Last evaluated 2024-05-13.

Conditions:
Fanconi anemia (FA). Also called: Fanconi's anemia. Identifiers: Orphanet 84, MedGen C0015625, MeSH D005199, MONDO:0019391.
Fanconi anemia complementation group A (FANCA). Also called: Fanconi anemia, group A; FANCA-Related Fanconi Anemia. Identifiers: Orphanet 84, MedGen C3469521, MONDO:0009215, OMIM 227650.

Allele frequency attached by ClinVar (database versions not stated): gnomAD 0.00003; ExAC 0.00004; TOPMed 0.00004; ESP Exome Variant Server 0.00031.
gnomAD v4.1: 10 of 1,614,080 alleles (0.00062%); highest among the groups gnomAD compares: African/African-American, 0.011%; no homozygotes.

Submissions (2):

Fulgent Genetics
Classification: Uncertain significance for Fanconi anemia complementation group A. Last evaluated: 2024-05-13. Review status: criteria provided, single submitter. Criteria: ACMG Guidelines, 2015. Collection method: clinical testing. Allele origin: germline.

Labcorp Genetics (formerly Invitae), Labcorp
Classification: Uncertain significance for Fanconi anemia. Last evaluated: 2021-09-29. Review status: criteria provided, single submitter. Criteria: Invitae Variant Classification Sherloc (09022015). Collection method: clinical testing. Allele origin: germline.
Comment: This sequence change replaces histidine with arginine at codon 385 of the FANCA protein (p.His385Arg). The histidine residue is weakly conserved and there is a small physicochemical difference between histidine and arginine. This variant is present in population databases (rs143262599, ExAC 0.05%). This variant has not been reported in the literature in individuals affected with FANCA-related conditions. Algorithms developed to predict the effect of missense changes on protein structure and function are either unavailable or do not agree on the potential impact of this missense change (SIFT: "Deleterious"; PolyPhen-2: "Benign"; Align-GVGD: "Class C0"). In summary, the available evidence is currently insufficient to determine the role of this variant in disease. Therefore, it has been classified as a Variant of Uncertain Significance.